The following is an entry in ClinVar:

NM_000051.4(ATM):c.3419A>G (p.Asn1140Ser)

Gene: ATM (ATM serine/threonine kinase; plus strand). Cytogenetic location: 11q22.3.
Variant type: single nucleotide variant.
Coding change: c.3419A>G on transcript NM_000051.4 (MANE Select); coding-DNA position 3419, A replaced by G.
Protein change: p.Asn1140Ser; replaces asparagine 1140 with serine.
Molecular consequence: missense variant.
Genome position (GRCh38, 1-based): chr11:108,281,011, A>G. VCF-style: chr11-108281011-A-G. GRCh37 (hg19) VCF-style: chr11-108151738-A-G.
Other names: c.3419A>G, p.Asn1140Ser (NM_001351834.2); short protein forms N1140S.
Identifiers: ClinVar variation 2838598 (VCV002838598.3), dbSNP rs2082203374, ClinGen allele CA382518958.
Genomic context (GRCh38, chr11:108,281,011, plus strand): 5'-CATTTACATTTTACATTACATTTTTTTTTTAATTTCTTTTTAAGTCCCATAGTGCTGAGA[A>G]CCCTGAAACTTTGGATGAAATTTATAATAGAAAATCTGTTTTACTGACGTTGATAGCTGT-3'
Protein context (NP_000042.3, residues 1130-1150): GMREMSHSAE[Asn1140Ser]PETLDEIYNR

ClinVar aggregate classification (germline): Uncertain significance (1 of 4 stars; one submission).

Conditions:
Ataxia-telangiectasia syndrome (AT). Also called: Cerebello-oculocutaneous telangiectasia; Immunodeficiency with ataxia telangiectasia; Ataxia-telangiectasia, complementation group E; Ataxia-telangiectasia, complementation group D; LOUIS-BAR SYNDROME; AT, COMPLEMENTATION GROUP C. Identifiers: Orphanet 100, MedGen C0004135, MONDO:0008840, OMIM 208900.

Submission:

Labcorp Genetics (formerly Invitae), Labcorp
Classification: Uncertain significance for Ataxia-telangiectasia syndrome. Last evaluated: 2025-05-05. Review status: criteria provided, single submitter. Criteria: Invitae Variant Classification Sherloc (09022015). Collection method: clinical testing. Allele origin: germline.
Comment: This sequence change replaces asparagine, which is neutral and polar, with serine, which is neutral and polar, at codon 1140 of the ATM protein (p.Asn1140Ser). This variant is not present in population databases (gnomAD no frequency). This variant has not been reported in the literature in individuals affected with ATM-related conditions. ClinVar contains an entry for this variant (Variation ID: 2838598). Invitae Evidence Modeling of protein sequence and biophysical properties (such as structural, functional, and spatial information, amino acid conservation, physicochemical variation, residue mobility, and thermodynamic stability) indicates that this missense variant is not expected to disrupt ATM protein function with a negative predictive value of 95%. In summary, the available evidence is currently insufficient to determine the role of this variant in disease. Therefore, it has been classified as a Variant of Uncertain Significance.